The following is an entry in ClinVar:

ClinVar aggregate classification (germline): Uncertain significance (1 of 4 stars; one submission).

Submission:

GeneDx
Classification: Uncertain significance. Last evaluated: 2020-01-07. Review status: criteria provided, single submitter. Criteria: GeneDx Variant Classification Process June 2021. Collection method: clinical testing. Allele origin: germline. Affected: yes.
Comment: Has not been previously published as pathogenic or benign to our knowledge; Not observed in large population cohorts (Lek et al., 2016); In silico analysis, which includes protein predictors and evolutionary conservation, supports a deleterious effect; Although located in a calcium-binding EGF-like domain of the FBN1-gene, it does not affect a cysteine residue within this domain; cysteine substitutions in the calcium-binding EGF-like domains represent the majority of pathogenic missense changes associated with FBN1-related disorders (Collod-Beroud et al., 2003)

NM_000138.5(FBN1):c.7418G>C (p.Gly2473Ala)

Gene: FBN1 (fibrillin 1; minus strand). Cytogenetic location: 15q21.1.
Variant type: single nucleotide variant.
Coding change: c.7418G>C on transcript NM_000138.5 (MANE Select); coding-DNA position 7418, G replaced by C.
Protein change: p.Gly2473Ala; replaces glycine 2473 with alanine.
Molecular consequence: missense variant.
Genome position (GRCh38, 1-based): chr15:48,425,404, C>G on the plus strand (G>C on the coding strand, the complement: FBN1 is on the minus strand). VCF-style: chr15-48425404-C-G. GRCh37 (hg19) VCF-style: chr15-48717601-C-G.
Other names: short protein forms G2473A.
Identifiers: ClinVar variation 1219885 (VCV001219885.3), dbSNP rs2042971166, ClinGen allele CA392327727.